The following is an entry in ClinVar:

ClinVar aggregate classification (germline): Uncertain significance (1 of 4 stars; one submission).

Submission:

GeneDx
Classification: Uncertain significance. Last evaluated: 2024-11-27. Review status: criteria provided, single submitter. Criteria: GeneDx Variant Classification Process June 2021. Collection method: clinical testing. Allele origin: germline. Affected: yes.
Comment: Not observed at significant frequency in large population cohorts (gnomAD); Has not been previously published as pathogenic or benign to our knowledge; Canonical splice site variant in a gene for which loss-of-function is not a known mechanism of disease

NM_130811.4(SNAP25):c.114+2T>C

Gene: SNAP25 (synaptosome associated protein 25; plus strand). Cytogenetic location: 20p12.2.
Variant type: single nucleotide variant.
Coding change: c.114+2T>C on transcript NM_130811.4 (MANE Select); the canonical splice donor site of the intron after coding-DNA position 114, T replaced by C.
Molecular consequence: splice donor variant.
Genome position (GRCh38, 1-based): chr20:10,277,728, T>C. VCF-style: chr20-10277728-T-C. GRCh37 (hg19) VCF-style: chr20-10258376-T-C.
Other names: c.114+2T>C (NM_001424416.1, NM_001322907.2, NM_001322910.2 and 9 more transcripts).
Identifiers: ClinVar variation 3900849 (VCV003900849.1).
Genomic context (GRCh38, chr20:10,277,728, plus strand): 5'-TGTTTTTTAAATCTTAGTCGCTGGAAAGCACCCGTCGTATGCTGCAACTGGTTGAAGAGG[T>C]AAGAAGTGACAGTATTTTAAGATAAAGGAACAAATCCCTTATGCTGATACATCCTTTCCT-3'